The following is an entry in ClinVar:

ClinVar aggregate classification (germline): Likely benign (0 of 4 stars; one submission).

Conditions:
ZMYM6-related disorder. Also called: ZMYM6-related condition.

Allele frequency attached by ClinVar (database versions not stated): ExAC 0.00005; gnomAD 0.00006; TOPMed 0.00017; gnomAD exomes 0.00018; 1000 Genomes Project 0.00040; 1000 Genomes Project 30x 0.00062.
gnomAD v4.1: 107 of 1,551,378 alleles (0.0069%); highest among the groups gnomAD compares: Admixed American, 0.21%; no homozygotes.

Submission:

PreventionGenetics, part of Exact Sciences
Classification: Likely benign for ZMYM6-related condition. Last evaluated: 2022-05-23. Review status: no assertion criteria provided. Collection method: clinical testing. Allele origin: germline.
Comment: This variant is classified as likely benign based on ACMG/AMP sequence variant interpretation guidelines (Richards et al. 2015 PMID: 25741868, with internal and published modifications).

NM_007167.4(ZMYM6):c.3065T>C (p.Leu1022Ser)

Gene: ZMYM6 (zinc finger MYM-type containing 6; minus strand). Cytogenetic location: 1p34.3.
Variant type: single nucleotide variant.
Coding change: c.3065T>C on transcript NM_007167.4 (MANE Select); coding-DNA position 3065, T replaced by C.
Protein change: p.Leu1022Ser; replaces leucine 1022 with serine.
Molecular consequence: missense variant.
Genome position (GRCh38, 1-based): chr1:34,988,017, A>G on the plus strand (T>C on the coding strand, the complement: ZMYM6 is on the minus strand). VCF-style: chr1-34988017-A-G. GRCh37 (hg19) VCF-style: chr1-35453618-A-G.
Other names: short protein forms L1022S.
Identifiers: ClinVar variation 3052001 (VCV003052001.2), dbSNP rs536800175, ClinGen allele CA756235.